The following is an entry in ClinVar:

NM_005956.4(MTHFD1):c.2314C>T (p.Arg772Cys)

Genes: MTHFD1 (methylenetetrahydrofolate dehydrogenase, cyclohydrolase and formyltetrahydrofolate synthetase 1; plus strand), ZBTB25 (zinc finger and BTB domain containing 25; minus strand). Cytogenetic location: 14q23.3.
Variant type: single nucleotide variant.
Coding change: c.2314C>T on transcript NM_005956.4 (MANE Select); coding-DNA position 2314, C replaced by T.
Protein change: p.Arg772Cys; replaces arginine 772 with cysteine.
Molecular consequence: missense variant. On other transcripts: 3 prime UTR variant (1).
Genome position (GRCh38, 1-based): chr14:64,449,479, C>T. VCF-style: chr14-64449479-C-T. GRCh37 (hg19) VCF-style: chr14-64916197-C-T.
Other names: c.2314C>T, p.Arg772Cys (NM_001364837.1); c.*72G>A (NM_001304508.1); short protein forms R772C.
Identifiers: ClinVar variation 1519312 (VCV001519312.4), dbSNP rs372827157, ClinGen allele CA7226572.

ClinVar aggregate classification (germline): Uncertain significance (1 of 4 stars; one submission).

Allele frequency attached by ClinVar (database versions not stated): gnomAD 0.00003 and 0.00002; ESP Exome Variant Server 0.00015; 1000 Genomes Project 30x 0.00016; 1000 Genomes Project 0.00020.
gnomAD v4.1: 19 of 1,613,942 alleles (0.0012%); highest among the groups gnomAD compares: Admixed American, 0.005%; no homozygotes.

Submission:

Labcorp Genetics (formerly Invitae), Labcorp
Classification: Uncertain significance. Last evaluated: 2022-06-04. Review status: criteria provided, single submitter. Criteria: Invitae Variant Classification Sherloc (09022015). Collection method: clinical testing. Allele origin: germline.
Comment: This sequence change replaces arginine, which is basic and polar, with cysteine, which is neutral and slightly polar, at codon 772 of the MTHFD1 protein (p.Arg772Cys). This variant is present in population databases (rs372827157, gnomAD 0.008%). This variant has not been reported in the literature in individuals affected with MTHFD1-related conditions. ClinVar contains an entry for this variant (Variation ID: 1519312). Algorithms developed to predict the effect of missense changes on protein structure and function (SIFT, PolyPhen-2, Align-GVGD) all suggest that this variant is likely to be tolerated. In summary, the available evidence is currently insufficient to determine the role of this variant in disease. Therefore, it has been classified as a Variant of Uncertain Significance.